The following is an entry in ClinVar:

NM_005902.4(SMAD3):c.137G>A (p.Gly46Glu)

Gene: SMAD3 (SMAD family member 3; plus strand). Cytogenetic location: 15q22.33.
Variant type: single nucleotide variant.
Coding change: c.137G>A on transcript NM_005902.4 (MANE Select); coding-DNA position 137, G replaced by A.
Protein change: p.Gly46Glu; replaces glycine 46 with glutamic acid.
Molecular consequence: missense variant.
Genome position (GRCh38, 1-based): chr15:67,066,291, G>A. VCF-style: chr15-67066291-G-A. GRCh37 (hg19) VCF-style: chr15-67358629-G-A.
Other names: c.137G>A, p.Gly46Glu (NM_001407011.1, NM_001407012.1, NM_001407013.1); short protein forms G46E.
Identifiers: ClinVar variation 1802040 (VCV001802040.1), dbSNP rs2505000057, ClinGen allele CA393202974.

ClinVar aggregate classification (germline): Uncertain significance (1 of 4 stars; one submission).

Submission:

GeneDx
Classification: Uncertain significance. Last evaluated: 2022-06-02. Review status: criteria provided, single submitter. Criteria: GeneDx Variant Classification Process June 2021. Collection method: clinical testing. Allele origin: germline. Affected: yes.
Comment: Has not been previously published as pathogenic or benign to our knowledge; Not observed at significant frequency in large population cohorts (gnomAD); In silico analysis supports that this missense variant has a deleterious effect on protein structure/function